The following is an entry in ClinVar:

NM_012418.4(FSCN2):c.1104C>T (p.Val368=)

Gene: FSCN2 (fascin actin-bundling protein 2, retinal; plus strand). Cytogenetic location: 17q25.3.
Variant type: single nucleotide variant.
Coding change: c.1104C>T on transcript NM_012418.4 (MANE Select); coding-DNA position 1104, C replaced by T.
Protein change: p.Val368=; no amino-acid change (valine 368 retained).
Molecular consequence: synonymous variant.
Genome position (GRCh38, 1-based): chr17:81,536,266, C>T. VCF-style: chr17-81536266-C-T. GRCh37 (hg19) VCF-style: chr17-79503292-C-T.
Other names: c.1104C>T, p.Val368= (NM_001077182.3).
Identifiers: ClinVar variation 855997 (VCV000855997.13), dbSNP rs751919154, ClinGen allele CA8836957.

ClinVar aggregate classification (germline): Conflicting classifications of pathogenicity. Review status: criteria provided, conflicting classifications (1 of 4 stars). 2 submissions from 2 submitters: Uncertain significance (1); Benign (1). Last evaluated 2024-07-02.

Allele frequency attached by ClinVar (database versions not stated): gnomAD exomes 0.00004; ExAC 0.00005; TOPMed 0.00003; gnomAD 0.00004.
gnomAD v4.1: 58 of 1,596,820 alleles (0.0036%); highest among the groups gnomAD compares: South Asian, 0.012%; no homozygotes.

Submissions (2):

Labcorp Genetics (formerly Invitae), Labcorp
Classification: Uncertain significance. Last evaluated: 2024-07-02. Review status: criteria provided, single submitter. Criteria: Invitae Variant Classification Sherloc (09022015). Collection method: clinical testing. Allele origin: germline.
Comment: This sequence change affects codon 368 of the FSCN2 mRNA. It is a 'silent' change, meaning that it does not change the encoded amino acid sequence of the FSCN2 protein. It affects a nucleotide within the consensus splice site. The frequency data for this variant in the population databases is considered unreliable, as metrics indicate poor data quality at this position in the gnomAD database. This variant has not been reported in the literature in individuals affected with FSCN2-related conditions. ClinVar contains an entry for this variant (Variation ID: 855997). Algorithms developed to predict the effect of sequence changes on RNA splicing suggest that this variant is not likely to affect RNA splicing. In summary, the available evidence is currently insufficient to determine the role of this variant in disease. Therefore, it has been classified as a Variant of Uncertain Significance.

GeneDx
Classification: Benign. Last evaluated: 2015-03-03. Review status: criteria provided, single submitter. Criteria: GeneDx Variant Classification Process June 2021. Collection method: clinical testing. Allele origin: germline. Affected: yes.